The following is an entry in ClinVar:

NM_181552.4(CUX1):c.952G>T (p.Glu318Ter)

Gene: CUX1 (cut like homeobox 1; plus strand). Cytogenetic location: 7q22.1.
Variant type: single nucleotide variant.
Coding change: c.952G>T on transcript NM_181552.4 (MANE Select); coding-DNA position 952, G replaced by T.
Protein change: p.Glu318Ter; replaces glutamic acid 318 with a stop codon.
Molecular consequence: nonsense.
Genome position (GRCh38, 1-based): chr7:102,178,592, G>T. VCF-style: chr7-102178592-G-T. GRCh37 (hg19) VCF-style: chr7-101821872-G-T.
Other names: c.985G>T, p.Glu329Ter (NM_001202543.2, NM_001913.5); c.937G>T, p.Glu313Ter (NM_001202544.3); c.847G>T, p.Glu283Ter (NM_001202545.3); c.868G>T, p.Glu290Ter (NM_001202546.3); c.979G>T, p.Glu327Ter (NM_181500.4); short protein forms E283*, E290*, E313*, E318*, E327*, E329*.
Identifiers: ClinVar variation 1803940 (VCV001803940.1), dbSNP rs2485005931, ClinGen allele CA368667255.

ClinVar aggregate classification (germline): Likely pathogenic (1 of 4 stars; one submission).

Conditions:
Global developmental delay with or without impaired intellectual development. Identifiers: MedGen C5193032, MONDO:0032680, OMIM 618330.

Submission:

Institute of Human Genetics, University of Leipzig Medical Center
Classification: Likely pathogenic for Global developmental delay with or without impaired intellectual development. Last evaluated: 2022-12-19. Review status: criteria provided, single submitter. Criteria: ACMG Guidelines, 2015. Collection method: clinical testing. Allele origin: maternal. Affected: yes.
Comment: Criteria applied: PVS1, PM2_Supporting